The following is an entry in ClinVar:

NM_201253.3(CRB1):c.2980A>G (p.Lys994Glu)

Gene: CRB1 (crumbs cell polarity complex component 1; plus strand). Cytogenetic location: 1q31.3.
Variant type: single nucleotide variant.
Coding change: c.2980A>G on transcript NM_201253.3 (MANE Select); coding-DNA position 2980, A replaced by G.
Protein change: p.Lys994Glu; replaces lysine 994 with glutamic acid.
Molecular consequence: missense variant. On other transcripts: non-coding transcript variant (2), intron variant (1).
Genome position (GRCh38, 1-based): chr1:197,434,843, A>G. VCF-style: chr1-197434843-A-G. GRCh37 (hg19) VCF-style: chr1-197403973-A-G.
Other names: NP_957705.1:p.(Lys994Glu); c.2644A>G, p.Lys882Glu (NM_001193640.2); c.2908A>G, p.Lys970Glu (NM_001257965.2); c.2129-757A>G (NM_001257966.2); short protein forms K882E, K970E, K994E.
Identifiers: ClinVar variation 1052481 (VCV001052481.14), dbSNP rs2125499116, ClinGen allele CA344044254.

ClinVar aggregate classification (germline): Conflicting classifications of pathogenicity. Review status: criteria provided, conflicting classifications (1 of 4 stars). 7 submissions from 5 submitters: Pathogenic (1); Likely pathogenic (1); Uncertain significance (5). Last evaluated 2025-08-31.

Conditions:
Cone-rod dystrophy. Also called: Cone-rod degeneration; Cone/cone-rod dystrophy. Identifiers: Orphanet 1872, MedGen C4085590, MONDO:0015993, HP:0000548.
Retinitis pigmentosa 12 (RP12). Also called: RP WITH OR WITHOUT PPRPE; RP WITH OR WITHOUT PRESERVED PARAARTERIOLE RETINAL PIGMENT EPITHELIUM; RETINITIS PIGMENTOSA WITH OR WITHOUT PARAARTERIOLAR PRESERVATION OF RETINAL PIGMENT EPITHELIUM. Identifiers: Orphanet 791, MedGen C1838647, MONDO:0010818, OMIM 600105.
Leber congenital amaurosis 8 (LCA8). Identifiers: Orphanet 65, MedGen C3151202, MONDO:0013453, OMIM 613835.
CRB1-related disorder. Also called: CRB1-related condition; CRB1-related disorders.
Pigmented paravenous retinochoroidal atrophy. Identifiers: Orphanet 251295, MedGen C1868310, MONDO:0008246, OMIM 172870.

Allele frequency attached by ClinVar (database versions not stated): gnomAD exomes below 0.00001.
gnomAD v4.1: 1 of 1,613,874 alleles (0.000062%); highest among the groups gnomAD compares: Non-Finnish European, 0.000085%; no homozygotes.

Submissions (7):

Labcorp Genetics (formerly Invitae), Labcorp
Classification: Pathogenic for Leber congenital amaurosis 8; Retinitis pigmentosa 12. Last evaluated: 2025-08-31. Review status: criteria provided, single submitter. Criteria: Invitae Variant Classification Sherloc (09022015). Collection method: clinical testing. Allele origin: germline.
Comment: This sequence change replaces lysine, which is basic and polar, with glutamic acid, which is acidic and polar, at codon 994 of the CRB1 protein (p.Lys994Glu). This variant is not present in population databases (gnomAD no frequency). This missense change has been observed in individual(s) with autosomal recessive CRB1-related conditions (PMID: 32037395, 36909829; internal data). In at least one individual the data is consistent with being in trans (on the opposite chromosome) from a pathogenic variant. ClinVar contains an entry for this variant (Variation ID: 1052481). Invitae Evidence Modeling of protein sequence and biophysical properties (such as structural, functional, and spatial information, amino acid conservation, physicochemical variation, residue mobility, and thermodynamic stability) has been performed for this missense variant. However, the output from this modeling did not meet the statistical confidence thresholds required to predict the impact of this variant on CRB1 protein function. For these reasons, this variant has been classified as Pathogenic.

Dasa
Classification: Uncertain significance for Retinitis pigmentosa 12. Last evaluated: 2024-10-10. Review status: criteria provided, single submitter. Criteria: DASA Assertion Criteria. Collection method: clinical testing. Allele origin: germline.
Comment: NM_201253.3(CRB1):c.2980A>G (p.Lys994Glu) is a missense variant that results in the substitution of lysine with glutamic acid. This variant has been reported in individuals with CRB1-related disorders (PMID: 32037395). Also, this variant is rare in population databases. Computational prediction algorithms are consistent with a benign effect. The currently available literature and clinical evidence are not sufficient to establish a definitive association between this variant and the reported condition. Therefore, this variant is classified as a variant of uncertain significance.

Ophthalmic Genetics Group, Institute of Molecular and Clinical Ophthalmology Basel
Classification: Uncertain significance for Cone-rod dystrophy. Last evaluated: 2023-07-24. Review status: criteria provided, single submitter. Criteria: ACMG Guidelines, 2015. Collection method: research. Allele origin: germline. Affected: yes. Observed: 1 variant allele.
Comment: Clinical significance based on ACMG v2.0

This variant was classified as Uncertain significance based on ACMG criteria: PM2, PM1, PP2.

Genome-Nilou Lab
Classification: Uncertain significance for Leber congenital amaurosis 8. Last evaluated: 2023-04-11. Review status: criteria provided, single submitter. Criteria: ACMG Guidelines, 2015. Collection method: clinical testing. Allele origin: germline. Affected: no.

Genome-Nilou Lab
Classification: Uncertain significance for Pigmented paravenous retinochoroidal atrophy. Last evaluated: 2023-04-11. Review status: criteria provided, single submitter. Criteria: ACMG Guidelines, 2015. Collection method: clinical testing. Allele origin: germline. Affected: no.

Genome-Nilou Lab
Classification: Uncertain significance for Retinitis pigmentosa 12. Last evaluated: 2023-04-11. Review status: criteria provided, single submitter. Criteria: ACMG Guidelines, 2015. Collection method: clinical testing. Allele origin: germline. Affected: no.

Blueprint Genetics
Classification: Likely pathogenic for CRB1-related disorders. Last evaluated: 2021-11-29. Review status: criteria provided, single submitter. Criteria: ACMG Guidelines, 2015. Collection method: clinical testing. Allele origin: germline. Affected: yes. Observed: 2 variant alleles.

Literature cited by the submitters: PubMed 32037395 (cited by Labcorp Genetics (formerly Invitae), Labcorp and Dasa); PubMed 36909829 (cited by Labcorp Genetics (formerly Invitae), Labcorp and Ophthalmic Genetics Group, Institute of Molecular and Clinical Ophthalmology Basel).